The following is an entry in ClinVar:

ClinVar aggregate classification (germline): Pathogenic (1 of 4 stars; one submission).

Conditions:
Polycystic kidney disease, adult type (PKD1). Also called: Polycystic Kidney, Autosomal Dominant; POLYCYSTIC KIDNEY DISEASE 1 WITH OR WITHOUT POLYCYSTIC LIVER DISEASE; Polycystic Kidney Disease 1, Autosomal Dominant; Polycystic kidney disease 1; Polycystic kidney disease 1, severe; POLYCYSTIC KIDNEY DISEASE, ADULT, TYPE I. Identifiers: MedGen C3149841, MONDO:0008263, OMIM 173900.

Submission:

MVZ Medizinische Genetik Mainz
Classification: Pathogenic for Polycystic kidney disease, adult type. Last evaluated: 2021-10-18. Review status: criteria provided, single submitter. Criteria: UK Practice Guidelines For Variant Classification V4 01 2020. Collection method: clinical testing. Allele origin: germline. Inheritance: Autosomal dominant inheritance. Observed: 1 variant allele.
Comment: ACMG Criteria: PVS1, PM2, PP4

NM_001009944.3(PKD1):c.12144_12145del (p.Ser4049fs)

Gene: PKD1 (polycystin 1, transient receptor potential channel interacting; minus strand). Cytogenetic location: 16p13.3.
Variant type: Microsatellite.
Coding change: c.12144_12145del on transcript NM_001009944.3 (MANE Select); coding-DNA positions 12144 to 12145, 2 bases deleted (GT; older notation c.12144_12145delGT).
Protein change: p.Ser4049fs; shifts the reading frame from serine 4049.
Molecular consequence: frameshift variant.
Genome position (GRCh38, 1-based): chr16:2,090,584-2,090,585, AC deleted on the plus strand (GT on the coding strand, the reverse complement: PKD1 is on the minus strand); deleting any 2 consecutive bases within chr16:2,090,584-2,090,587 gives the same sequence; the c. name uses the placement nearest the transcript's 3' end. VCF-style (leftmost placement, unchanged base first): chr16-2090583-GAC-G. GRCh37 (hg19) VCF-style: chr16-2140584-GAC-G.
Other names: c.12141_12142del, p.Ser4048fs (NM_000296.4); short protein forms S4048fs, S4049fs.
Identifiers: ClinVar variation 3068377 (VCV003068377.1), dbSNP rs2544589539, ClinGen allele CA2825002346.